The following is an entry in ClinVar:

ClinVar aggregate classification (germline): Uncertain significance (1 of 4 stars; one submission).

Conditions:
Costello syndrome (CSTLO). Also called: FACIOCUTANEOSKELETAL SYNDROME; FCS SYNDROME; HRAS-Related Costello Syndrome. Identifiers: Orphanet 3071, MedGen C0587248, MONDO:0009026, OMIM 218040.

Allele frequency attached by ClinVar (database versions not stated): TOPMed below 0.00001.
gnomAD v4.1: 1 of 1,613,828 alleles (0.000062%); highest among the groups gnomAD compares: Admixed American, 0.0017%; no homozygotes.

Submission:

Labcorp Genetics (formerly Invitae), Labcorp
Classification: Uncertain significance for Costello syndrome. Last evaluated: 2025-10-29. Review status: criteria provided, single submitter. Criteria: Invitae Variant Classification Sherloc (09022015). Collection method: clinical testing. Allele origin: germline.
Comment: This sequence change replaces valine, which is neutral and non-polar, with glycine, which is neutral and non-polar, at codon 125 of the HRAS protein (p.Val125Gly). This variant is not present in population databases (gnomAD no frequency). This variant has not been reported in the literature in individuals affected with HRAS-related conditions. ClinVar contains an entry for this variant (Variation ID: 2889884). Invitae Evidence Modeling of protein sequence and biophysical properties (such as structural, functional, and spatial information, amino acid conservation, physicochemical variation, residue mobility, and thermodynamic stability) indicates that this missense variant is expected to disrupt HRAS protein function with a positive predictive value of 95%. In summary, the available evidence is currently insufficient to determine the role of this variant in disease. Therefore, it has been classified as a Variant of Uncertain Significance.

NM_005343.4(HRAS):c.374T>G (p.Val125Gly)

Genes: LRRC56 (leucine rich repeat containing 56; plus strand), HRAS (HRas proto-oncogene, GTPase; minus strand). Cytogenetic location: 11p15.5.
Variant type: single nucleotide variant.
Coding change: c.374T>G on transcript NM_005343.4 (MANE Select); coding-DNA position 374, T replaced by G.
Protein change: p.Val125Gly; replaces valine 125 with glycine.
Molecular consequence: missense variant.
Genome position (GRCh38, 1-based): chr11:533,529, A>C on the plus strand (T>G on the coding strand, the complement: HRAS is on the minus strand). VCF-style: chr11-533529-A-C. GRCh37 (hg19) VCF-style: chr11-533529-A-C.
Other names: c.374T>G, p.Val125Gly (NM_001130442.3, NM_176795.5); c.55T>G, p.Trp19Gly (NM_001318054.2); short protein forms V125G, W19G.
Identifiers: ClinVar variation 2889884 (VCV002889884.3), dbSNP rs981155119, ClinGen allele CA216882690.